The following is an entry in ClinVar:

NM_000540.3(RYR1):c.469T>A (p.Ser157Thr)

Gene: RYR1 (ryanodine receptor 1; plus strand). Cytogenetic location: 19q13.2.
Variant type: single nucleotide variant.
Coding change: c.469T>A on transcript NM_000540.3 (MANE Select); coding-DNA position 469, T replaced by A.
Protein change: p.Ser157Thr; replaces serine 157 with threonine.
Molecular consequence: missense variant.
Genome position (GRCh38, 1-based): chr19:38,444,193, T>A. VCF-style: chr19-38444193-T-A. GRCh37 (hg19) VCF-style: chr19-38934833-T-A.
Other names: c.469T>A, p.Ser157Thr (NM_001042723.2); short protein forms S157T.
Identifiers: ClinVar variation 4758047 (VCV004758047.1).

ClinVar aggregate classification (germline): Uncertain significance (1 of 4 stars; one submission).

Conditions:
Malignant hyperthermia, susceptibility to, 1 (MHS1). Also called: RYR1-Related Malignant Hyperthermia Susceptibility; Malignant hyperthermia suceptibility 1; Anesthesia related hyperthermia; Malignant hyperpyrexia; Fulminating hyperpyrexia; Pharmacogenic myopathy. Identifiers: Orphanet 423, MedGen C2930980, MONDO:0007783, OMIM 145600.

Submission:

Color Diagnostics, LLC DBA Color Health
Classification: Uncertain significance for Malignant hyperthermia, susceptibility to, 1. Last evaluated: 2025-08-30. Review status: criteria provided, single submitter. Criteria: ACMG Guidelines, 2015. Collection method: clinical testing. Allele origin: germline.
Comment: This missense variant replaces serine with threonine at codon 157 of the RYR1 protein. Computational prediction is inconclusive regarding the impact of this variant on protein structure and function. To our knowledge, functional studies have not been reported for this variant. This variant has not been reported in individuals affected with RYR1-related disorders in the literature. This variant has not been identified in the general population by the Genome Aggregation Database (gnomAD). The available evidence is insufficient to determine the role of this variant in disease conclusively. Therefore, this variant is classified as a Variant of Uncertain Significance.